The following is an entry in ClinVar:

ClinVar aggregate classification (germline): Uncertain significance (1 of 4 stars; one submission).

Conditions:
Cardiomyopathy (CMYO). Also called: Cardiomyopathies. Identifiers: Orphanet 167848, MedGen C0878544, MONDO:0004994, HP:0001638. Inheritance: Various modes of inheritance.

Submission:

Color Diagnostics, LLC DBA Color Health
Classification: Uncertain significance for Cardiomyopathy. Last evaluated: 2020-11-10. Review status: criteria provided, single submitter. Criteria: ACMG Guidelines, 2015. Collection method: clinical testing. Allele origin: germline.
Comment: This variant inserts 1 nucleotide in exon 23 of the MYH7 gene, creating a frameshift and premature translation stop signal. This variant is expected to result in an absent or non-functional protein product. To our knowledge, this variant has not been reported in individuals affected with cardiovascular disorders in the literature. This variant has not been identified in the general population by the Genome Aggregation Database (gnomAD). Clinical relevance of loss-of-function MYH7 truncation variants in autosomal dominant cardiovascular disorders is not clearly established. The available evidence is insufficient to determine the role of this variant in disease conclusively. Therefore, this variant is classified as a Variant of Uncertain Significance.

NM_000257.4(MYH7):c.2786dup (p.Glu930fs)

Gene: MYH7 (myosin heavy chain 7; minus strand). Cytogenetic location: 14q11.2.
Variant type: Duplication.
Coding change: c.2786dup on transcript NM_000257.4 (MANE Select); coding-DNA position 2786, one base duplicated (A; older notation c.2786dupA).
Protein change: p.Glu930fs; shifts the reading frame from glutamic acid 930.
Molecular consequence: frameshift variant.
Genome position (GRCh38, 1-based): chr14:23,424,043, T duplicated on the plus strand (A on the coding strand, the reverse complement: MYH7 is on the minus strand). VCF-style (leftmost placement, unchanged base first): chr14-23424042-C-CT. GRCh37 (hg19) VCF-style: chr14-23893251-C-CT.
Other names: short protein forms E930fs.
Identifiers: ClinVar variation 1171163 (VCV001171163.2), dbSNP rs2138663618, ClinGen allele CA2499222591.